The following is an entry in ClinVar:

ClinVar aggregate classification (germline): Uncertain significance. Review status: reviewed by expert panel (3 of 4 stars). 4 submissions from 4 submitters: Uncertain significance (1). 3 of the submissions do not count toward it. Last evaluated 2024-12-20.

Conditions:
Monogenic diabetes. Identifiers: Orphanet 183625, MedGen C3888631, MONDO:0015967.
Fanconi renotubular syndrome 4 with maturity-onset diabetes of the young (FRTS4). Also called: FRTS4 WITH MODY. Identifiers: Orphanet 93111, MedGen C4014962, MONDO:0014458, OMIM 616026.
Maturity-onset diabetes of the young type 1. Also called: MILD JUVENILE DIABETES MELLITUS; MODY, type I; MODY type 1; Diabetes mellitus MODY type 1; MODY HNF4A related; HNF4A-Related Maturity-Onset Diabetes of the Young Type 1. Identifiers: Orphanet 552, MedGen C1852093, MONDO:0007452, OMIM 125850. Disease mechanism: loss of function.
Type 2 diabetes mellitus. Also called: Type II diabetes mellitus. Identifiers: MedGen C0011860, MeSH D003924, MONDO:0005148, OMIM 125853, HP:0005978.

Allele frequency attached by ClinVar (database versions not stated): gnomAD 0.00001; gnomAD exomes 0.00001; TOPMed 0.00001.
gnomAD v4.1: 10 of 1,614,012 alleles (0.00062%); highest among the groups gnomAD compares: African/African-American, 0.0013%; no homozygotes.

Submissions (4):

ClinGen Monogenic Diabetes Variant Curation Expert Panel
Classification: Uncertain significance for Monogenic diabetes. Last evaluated: 2024-12-20. Review status: reviewed by expert panel. Criteria: ClinGen Diabetes ACMG Specifications HNF4A V2.0.0. Collection method: curation. Allele origin: germline. Inheritance: Autosomal dominant inheritance.
Comment: The c.1138G>A variant in the hepatocyte nuclear factor 4 alpha gene, HNF4A, causes an amino acid change of valine to isoleucine at codon 380 (p.(Val380Ile)) of NM_175914.5. This variant has an incomputable gnomAD v2.1.1 Grpmax filtering allele frequency due to 2 copies in the European non-Finnish subpopulation and 0 copies in any other subpopulation, thereby meeting the ClinGen MDEP threshold criteria for PM2_Supporting (ENF GrpmaxPopmax FAF <= 0.000003 and <= 2 copies in ENF and <=1 copy in any other subpopulation) (PM2_Supporting). This variant was identified in 4 unrelated individuals with non-autoimmune and non-absolute/near-absolute insulin-deficient diabetes (PS4_Moderate; PMID: 9449683, 23227446, internal lab contributors). This variant was identified in an individual with a clinical history highly specific for HNF4A-MODY (MODY probability calculator result >50% and, negative genetic testing for HNF1A) (PP4; internal lab contributors). This variant segregated with diabetes with two informative meioses in a single family; however, this does not meet the thresholds for PP1 set by the ClinGen MDEP (PMID: 27236918, 9449683). This variant has a REVEL score of 0.344, which is between the ClinGen MDEP thresholds for BP4 and PP3, predicting neither a damaging nor benign impact on HNF4A function. Functional studies demonstrated the p.Val380Ile protein has abnormal nuclear localization/transactivation above 75% of wildtype, indicating that this variant does not impact protein function (PMID: 30191603) (BS3_Supporting). Another missense variant, [1139T>G p.(Val380Gly)] has been classified as a VUS by the ClinGen MDEP; therefore, PM5 will not be applied. In summary, c.1138G>A meets the criteria to be classified as uncertain significance for monogenic diabetes. ACMG/AMP criteria applied, as specified by the ClinGen MDEP (specification version 2.0.0, approved 10/11/2023): PS4_moderate, PP4, PM2_supporting, BS3_supporting.

Fulgent Genetics
Classification: Uncertain significance for Maturity-onset diabetes of the young type 1; Type 2 diabetes mellitus; Fanconi renotubular syndrome 4 with maturity-onset diabetes of the young. Last evaluated: 2022-04-23. Review status: criteria provided, single submitter. Criteria: ACMG Guidelines, 2015. Collection method: clinical testing. Allele origin: unknown. Not counted in ClinVar's aggregate classification.

GeneDx
Classification: Uncertain significance. Last evaluated: 2017-02-06. Review status: criteria provided, single submitter. Criteria: GeneDx Variant Classification (06012015). Collection method: clinical testing. Allele origin: germline. Affected: yes. Not counted in ClinVar's aggregate classification.
Comment: The V380I variant in the HNF4A gene has been previously reported (as V393I due to the use of alternative nomenclature) in one family in association with non-insulin dependent diabetes mellitus; however, segregation of the variant with disease was equivocal, as several clinically unaffected individuals harbored the V380I variant, while the variant was absent in at least two individuals with impaired glucose tolerance (Hani et al., 1998). The V380I variant is not observed in large population cohorts (Lek et al., 2016; 1000 Genomes Consortium et al., 2015; Exome Variant Server). The V380I variant is a conservative amino acid substitution, which is not likely to impact secondary protein structure as these residues share similar properties. This substitution occurs at a position that is conserved across species. In silico analysis is inconsistent in its predictions as to whether or not the variant is damaging to the protein structure/function. Although one in vitro functional study concluded this variant results in a decrease in protein transactivation ability, additional studies are needed to validate the functional effect of this variant in vivo (Hani et al., 1998).

OMIM
Classification: Pathogenic for TYPE 2 DIABETES MELLITUS. Last evaluated: 1998-02-01. Review status: no assertion criteria provided. Collection method: literature only. Allele origin: germline. Not counted in ClinVar's aggregate classification.

Literature cited by the submitters: PubMed 9449683 (cited by OMIM).

NM_175914.5(HNF4A):c.1138G>A (p.Val380Ile)

Gene: HNF4A (hepatocyte nuclear factor 4 alpha; plus strand). Cytogenetic location: 20q13.12.
Variant type: single nucleotide variant.
Coding change: c.1138G>A on transcript NM_175914.5 (MANE Select); coding-DNA position 1138, G replaced by A.
Protein change: p.Val380Ile; replaces valine 380 with isoleucine.
Molecular consequence: missense variant.
Genome position (GRCh38, 1-based): chr20:44,428,409, G>A. VCF-style: chr20-44428409-G-A. GRCh37 (hg19) VCF-style: chr20-43057049-G-A.
Other names: V393I; NM_175914.5(HNF4A):c.1138G>A; p.Val380Ile; c.1204G>A, p.Val402Ile (NM_000457.6, NM_178849.3); c.1138G>A, p.Val380Ile (NM_001030003.3); c.1183G>A, p.Val395Ile (NM_001258355.2); c.1129G>A, p.Val377Ile (NM_001287182.2, NM_001287183.2); short protein forms V380I, V395I, V402I, V377I.
Identifiers: ClinVar variation 9213 (VCV000009213.5), dbSNP rs137853337, ClinGen allele CA120217.